The following is an entry in ClinVar:

ClinVar aggregate classification (germline): Uncertain significance. Review status: criteria provided, multiple submitters, no conflicts (2 of 4 stars). 2 submissions from 2 submitters: Uncertain significance (2). Last evaluated 2024-03-31.

Conditions:
Van Maldergem syndrome 2 (VMLDS2). Identifiers: Orphanet 314679, MedGen C3809875, MONDO:0014242, OMIM 615546.
Hennekam lymphangiectasia-lymphedema syndrome 2 (HKLLS2). Identifiers: Orphanet 2136, MedGen C4014939, MONDO:0014454, OMIM 616006.

Allele frequency attached by ClinVar (database versions not stated): gnomAD 0.00001.
gnomAD v4.1: 2 of 1,614,026 alleles (0.00012%); highest among the groups gnomAD compares: South Asian, 0.0022%; no homozygotes.

Submissions (2):

Fulgent Genetics
Classification: Uncertain significance for Van Maldergem syndrome 2; Hennekam lymphangiectasia-lymphedema syndrome 2. Last evaluated: 2024-03-31. Review status: criteria provided, single submitter. Criteria: ACMG Guidelines, 2015. Collection method: clinical testing. Allele origin: germline.

Baylor Genetics
Classification: Uncertain significance for Van Maldergem syndrome 2. Last evaluated: 2020-04-24. Review status: criteria provided, single submitter. Criteria: ACMG Guidelines, 2015. Collection method: clinical testing. Allele origin: unknown. Affected: yes.
Comment: This variant was determined to be of uncertain significance according to ACMG Guidelines, 2015 [PMID:25741868].

NM_001291303.3(FAT4):c.13385G>A (p.Arg4462Lys)

Gene: FAT4 (FAT atypical cadherin 4; plus strand). Cytogenetic location: 4q28.1.
Variant type: single nucleotide variant.
Coding change: c.13385G>A on transcript NM_001291303.3 (MANE Select); coding-DNA position 13385, G replaced by A.
Protein change: p.Arg4462Lys; replaces arginine 4462 with lysine.
Molecular consequence: missense variant.
Genome position (GRCh38, 1-based): chr4:125,490,201, G>A. VCF-style: chr4-125490201-G-A. GRCh37 (hg19) VCF-style: chr4-126411356-G-A.
Other names: c.13382G>A, p.Arg4461Lys (NM_001291285.3); c.13379G>A, p.Arg4460Lys (NM_024582.6); c.13379G>A (NM_024582.5); short protein forms R4462K, R4460K, R4461K.
Identifiers: ClinVar variation 1028318 (VCV001028318.2), dbSNP rs1727568738, ClinGen allele CA358136287.